The following is an entry in ClinVar:

ClinVar aggregate classification (germline): Pathogenic (1 of 4 stars; one submission).

Conditions:
Neurofibromatosis, type 1 (NF1). Also called: VON RECKLINGHAUSEN DISEASE; NEUROFIBROMATOSIS, TYPE I, SOMATIC; Neurofibromatosis, type I; Peripheral type neurofibromatosis. Identifiers: Orphanet 636, MedGen C0027831, MONDO:0018975, OMIM 162200. Disease mechanism: loss of function.

Submission:

Labcorp Genetics (formerly Invitae), Labcorp
Classification: Pathogenic for Neurofibromatosis, type 1. Last evaluated: 2022-09-19. Review status: criteria provided, single submitter. Criteria: Invitae Variant Classification Sherloc (09022015). Collection method: clinical testing. Allele origin: germline.
Comment: For these reasons, this variant has been classified as Pathogenic. This variant has not been reported in the literature in individuals affected with NF1-related conditions. This variant is not present in population databases (gnomAD no frequency). This sequence change creates a premature translational stop signal (p.Leu1848Tyrfs*12) in the NF1 gene. It is expected to result in an absent or disrupted protein product. Loss-of-function variants in NF1 are known to be pathogenic (PMID: 10712197, 23913538).

Literature cited by the submitters: PubMed 10712197; PubMed 23913538.

NM_001042492.3(NF1):c.5606del (p.Leu1869fs)

Gene: NF1 (neurofibromin 1; plus strand). Cytogenetic location: 17q11.2.
Variant type: Deletion.
Coding change: c.5606del on transcript NM_001042492.3 (MANE Select); coding-DNA position 5606, one base deleted (T; older notation c.5606delT).
Protein change: p.Leu1869fs; shifts the reading frame from leucine 1869.
Molecular consequence: frameshift variant.
Genome position (GRCh38, 1-based): chr17:31,327,836, T deleted; the last of 3 consecutive T bases (chr17:31,327,834-31,327,836); deleting any one gives the same sequence. VCF-style (leftmost placement, unchanged base first): chr17-31327833-GT-G. GRCh37 (hg19) VCF-style: chr17-29654851-GT-G.
Other names: c.5543delT, p.Leu1848Tyrfs (NM_000267.4); short protein forms L1869fs, L1848fs.
Identifiers: ClinVar variation 2031174 (VCV002031174.4), dbSNP rs2069386536, ClinGen allele CA2580093344.